The following is an entry in ClinVar:

ClinVar aggregate classification (germline): Uncertain significance (1 of 4 stars; one submission).

Submission:

Labcorp Genetics (formerly Invitae), Labcorp
Classification: Uncertain significance. Last evaluated: 2024-09-22. Review status: criteria provided, single submitter. Criteria: Invitae Variant Classification Sherloc (09022015). Collection method: clinical testing. Allele origin: germline.
Comment: This sequence change replaces aspartic acid, which is acidic and polar, with glutamic acid, which is acidic and polar, at codon 78 of the THBD protein (p.Asp78Glu). This variant is present in population databases (rs770685001, gnomAD 0.01%). This variant has not been reported in the literature in individuals affected with THBD-related conditions. Invitae Evidence Modeling of protein sequence and biophysical properties (such as structural, functional, and spatial information, amino acid conservation, physicochemical variation, residue mobility, and thermodynamic stability) indicates that this missense variant is not expected to disrupt THBD protein function with a negative predictive value of 80%. In summary, the available evidence is currently insufficient to determine the role of this variant in disease. Therefore, it has been classified as a Variant of Uncertain Significance.

NM_000361.3(THBD):c.234C>G (p.Asp78Glu)

Gene: THBD (thrombomodulin; minus strand). Cytogenetic location: 20p11.21.
Variant type: single nucleotide variant.
Coding change: c.234C>G on transcript NM_000361.3 (MANE Select); coding-DNA position 234, C replaced by G.
Protein change: p.Asp78Glu; replaces aspartic acid 78 with glutamic acid.
Molecular consequence: missense variant.
Genome position (GRCh38, 1-based): chr20:23,049,271, G>C on the plus strand (C>G on the coding strand, the complement: THBD is on the minus strand). VCF-style: chr20-23049271-G-C. GRCh37 (hg19) VCF-style: chr20-23029908-G-C.
Other names: short protein forms D78E.
Identifiers: ClinVar variation 3697031 (VCV003697031.2).